The following is an entry in ClinVar:

NM_006231.4(POLE):c.5392A>G (p.Met1798Val)

Gene: POLE (DNA polymerase epsilon, catalytic subunit; minus strand). Cytogenetic location: 12q24.33.
Variant type: single nucleotide variant.
Coding change: c.5392A>G on transcript NM_006231.4 (MANE Select); coding-DNA position 5392, A replaced by G.
Protein change: p.Met1798Val; replaces methionine 1798 with valine.
Molecular consequence: missense variant.
Genome position (GRCh38, 1-based): chr12:132,639,285, T>C on the plus strand (A>G on the coding strand, the complement: POLE is on the minus strand). VCF-style: chr12-132639285-T-C. GRCh37 (hg19) VCF-style: chr12-133215871-T-C.
Other names: c.5392A>G (NM_006231.2); short protein forms M1798V.
Identifiers: ClinVar variation 540785 (VCV000540785.13), dbSNP rs1555221940, ClinGen allele CA387375110.
Genomic context (GRCh38, chr12:132,639,285, plus strand): 5'-CCTGGTTGTCTGCATAGATGTTGTGGTACTGGGTGATCTCCTTCACCCAGCCCACGACCA[T>C]GCTCTTCAGGATCCTGAAAGAGAAGGTGCACGACACCCTCGTACCCTCAGCCTCCCACGC-3'
Protein context (NP_006222.2, residues 1788-1808): CSNTFRILKS[Met1798Val]VVGWVKEITQ

ClinVar aggregate classification (germline): Uncertain significance. Review status: criteria provided, multiple submitters, no conflicts (2 of 4 stars). 3 submissions from 3 submitters: Uncertain significance (3). Last evaluated 2025-07-12.

Conditions:
Hereditary cancer-predisposing syndrome. Also called: Neoplastic Syndromes, Hereditary; Hereditary Cancer Syndrome; Hereditary neoplastic syndrome; Tumor predisposition. Identifiers: Orphanet 140162, MedGen C0027672, MeSH D009386, MONDO:0015356.

Submissions (3):

Ambry Genetics
Classification: Uncertain significance for Hereditary cancer-predisposing syndrome. Last evaluated: 2025-07-12. Review status: criteria provided, single submitter. Criteria: Ambry Variant Classification Scheme 2023. Collection method: clinical testing. Allele origin: germline.

Labcorp Genetics (formerly Invitae), Labcorp
Classification: Uncertain significance. Last evaluated: 2024-08-30. Review status: criteria provided, single submitter. Criteria: Invitae Variant Classification Sherloc (09022015). Collection method: clinical testing. Allele origin: germline.
Comment: This sequence change replaces methionine, which is neutral and non-polar, with valine, which is neutral and non-polar, at codon 1798 of the POLE protein (p.Met1798Val). This variant is not present in population databases (gnomAD no frequency). This variant has not been reported in the literature in individuals affected with POLE-related conditions. ClinVar contains an entry for this variant (Variation ID: 540785). Invitae Evidence Modeling of protein sequence and biophysical properties (such as structural, functional, and spatial information, amino acid conservation, physicochemical variation, residue mobility, and thermodynamic stability) indicates that this missense variant is not expected to disrupt POLE protein function with a negative predictive value of 80%. In summary, the available evidence is currently insufficient to determine the role of this variant in disease. Therefore, it has been classified as a Variant of Uncertain Significance.

GeneDx
Classification: Uncertain significance. Last evaluated: 2019-06-20. Review status: criteria provided, single submitter. Criteria: GeneDx Variant Classification Process June 2021. Collection method: clinical testing. Allele origin: germline. Affected: yes.
Comment: Not observed in large population cohorts (Lek et al., 2016); Has not been previously published as pathogenic or benign to our knowledge